The following is an entry in ClinVar:

NM_001164508.2(NEB):c.20813del (p.Lys6938fs)

Gene: NEB (nebulin; minus strand). Cytogenetic location: 2q23.3.
Variant type: Deletion.
Coding change: c.20813del on transcript NM_001164508.2 (MANE Select); coding-DNA position 20813, one base deleted (A; older notation c.20813delA).
Protein change: p.Lys6938fs; shifts the reading frame from lysine 6938.
Molecular consequence: frameshift variant.
Genome position (GRCh38, 1-based): chr2:151,540,423, T deleted on the plus strand (A on the coding strand, the reverse complement: NEB is on the minus strand); the first of 4 consecutive T bases (chr2:151,540,423-151,540,426); deleting any one gives the same sequence. VCF-style (leftmost placement, unchanged base first): chr2-151540422-CT-C. GRCh37 (hg19) VCF-style: chr2-152396936-CT-C.
Other names: c.20813del, p.Lys6938fs (NM_001164507.2, NM_001271208.2); c.15710del, p.Lys5237fs (NM_004543.5); short protein forms K5237fs, K6938fs.
Identifiers: ClinVar variation 1725749 (VCV001725749.2), dbSNP rs2552154980, ClinGen allele CA2580063958.
Genomic context (GRCh38, chr2:151,540,422, plus strand): 5'-AGCCCTCTTGGCTCTGATGAGGATTGGCGTATCTGGAACCGGAGTGTACTTGTCTTTCAT[CT>C]TTTCATATTGAATCTTGTACTTTTTCTGAGAAATAAATGCAGAAGAGAGAGACAAGCTTA-3'

ClinVar aggregate classification (germline): Likely pathogenic (1 of 4 stars; one submission).

Conditions:
Nemaline myopathy 2 (NEM2). Also called: Nemaline myopathy 2, autosomal recessive. Identifiers: MedGen C1850569, MONDO:0009725, OMIM 256030.

Submission:

Myriad Genetics, Inc.
Classification: Likely pathogenic for Nemaline myopathy 2. Last evaluated: 2022-03-31. Review status: criteria provided, single submitter. Criteria: Myriad Women's Health Autosomal Recessive and X-Linked Classification Criteria (2021). Collection method: clinical testing. Allele origin: unknown.
Comment: NM_001271208.1(NEB):c.20813delA(K6938Rfs*2) is expected to be pathogenic in the context of NEB-related nemaline myopathy. This variant is predicted to lead to an abnormal or absent protein product due to the creation of a premature termination codon in NEB, a gene where loss-of-function variants are known to be pathogenic. Please note: this variant was assessed in the context of healthy population screening.